The following is an entry in ClinVar:

ClinVar aggregate classification (germline): Pathogenic (1 of 4 stars; one submission).

Submission:

Center for Genomic Medicine, Rigshospitalet, Copenhagen University Hospital
Classification: Pathogenic. Last evaluated: 2025-03-04. Review status: criteria provided, single submitter. Criteria: ACMG Guidelines, 2015. Collection method: clinical testing. Allele origin: germline.
Comment: Classification criteria: PVS1, PM2_Supporting, PP4_Strong

NM_000419.5(ITGA2B):c.1878+2T>C

Gene: ITGA2B (integrin subunit alpha 2b; minus strand). Cytogenetic location: 17q21.31.
Variant type: single nucleotide variant.
Coding change: c.1878+2T>C on transcript NM_000419.5 (MANE Select); the canonical splice donor site of the intron after coding-DNA position 1878, T replaced by C.
Molecular consequence: splice donor variant.
Genome position (GRCh38, 1-based): chr17:44,379,687, A>G on the plus strand (T>C on the coding strand, the complement: ITGA2B is on the minus strand). VCF-style: chr17-44379687-A-G. GRCh37 (hg19) VCF-style: chr17-42457055-A-G.
Identifiers: ClinVar variation 3765089 (VCV003765089.1).